The following is an entry in ClinVar:

NM_007294.4(BRCA1):c.5152+6T>G

Gene: BRCA1 (BRCA1 DNA repair associated; minus strand). Cytogenetic location: 17q21.31.
Variant type: single nucleotide variant.
Coding change: c.5152+6T>G on transcript NM_007294.4 (MANE Select); 6 bases into the intron after coding-DNA position 5152, T replaced by G.
Molecular consequence: intron variant.
Genome position (GRCh38, 1-based): chr17:43,063,868, A>C on the plus strand (T>G on the coding strand, the complement: BRCA1 is on the minus strand). VCF-style: chr17-43063868-A-C. GRCh37 (hg19) VCF-style: chr17-41215885-A-C.
Other names: IVS18+6T>G; c.1699+6T>G (NM_001408458.1, NM_001408461.1, NM_001408464.1 and 7 more transcripts); c.4261+6T>G (NM_001407967.1); c.4771+6T>G (NM_001407959.1); c.4885+6T>G (NM_001407931.1, NM_001407932.1, NM_001407928.1 and 4 more transcripts); c.5008+6T>G (NM_001407747.1, NM_001407745.1, NM_001407737.1 and 21 more transcripts); c.4768+6T>G (NM_001407962.1, NM_001407960.1); c.1339+6T>G (NM_001408512.1); and 74 more.
Identifiers: ClinVar variation 125778 (VCV000125778.25), dbSNP rs80358074, ClinGen allele CA003292.
Genomic context (GRCh38, chr17:43,063,868, plus strand): 5'-CGTTAGGTGTAAAAATGCAATTCTGAGGTGTTAAAGGGAGGAGGGGAGAAATAGTATTAT[A>C]CTTACAGAAATAGCTAACTACCCATTTTCCTCCCGCAATTCCTAGAAAATATTTCAGTGT-3'

ClinVar aggregate classification (germline): Pathogenic. Review status: reviewed by expert panel (3 of 4 stars). 7 submissions from 7 submitters: Pathogenic (1). 6 of the submissions do not count toward it. Last evaluated 2026-09-21.

Conditions:
BRCA1-related cancer predisposition. Identifiers: MedGen CN377757, MONDO:0700268.
Hereditary cancer-predisposing syndrome. Also called: Tumor predisposition; Hereditary neoplastic syndrome; Hereditary Cancer Syndrome; Neoplastic Syndromes, Hereditary. Identifiers: Orphanet 140162, MedGen C0027672, MeSH D009386, MONDO:0015356.
Hereditary breast ovarian cancer syndrome. Also called: Hereditary breast and/or ovarian cancer syndrome; Breast and ovarian cancer; Hereditary breast and ovarian cancer syndrome; Hereditary breast and ovarian cancer; Hereditary breast and ovarian cancer syndrome (HBOC); BRCA1- and BRCA2-Associated Hereditary Breast and Ovarian Cancer. Identifiers: Orphanet 145, MedGen C0677776, MeSH D061325, MONDO:0003582. Disease mechanism: loss of function.
Breast-ovarian cancer, familial, susceptibility to, 1 (BROVCA1). Also called: BRCA1 Hereditary Breast and Ovarian Cancer; OVARIAN CANCER, SUSCEPTIBILITY TO. Identifiers: Orphanet 145, MedGen C2676676, MONDO:0011450, OMIM 604370. Disease mechanism: loss of function.

Submissions (8):

ClinGen ENIGMA BRCA1 and BRCA2 Variant Curation Expert Panel, ClinGen
Classification: Pathogenic for BRCA1-related cancer predisposition. Last evaluated: 2026-09-21. Review status: reviewed by expert panel. Criteria: CSpec BRCA1/2ACMG Rules Specifications V1.2. Collection method: curation. Allele origin: germline. Inheritance: Autosomal dominant inheritance.
Comment: The c.5152+6T>G variant is an intronic variant occurring in intron 17(18) of the BRCA1 gene. This variant is absent from gnomAD v4.1 (read depth ≥25x in >90% samples, PM2_Supporting met). Intronic variant, functional data considered only from assays that measure effect via mRNA and protein. Reported by one calibrated study incorporating mRNA splicing effects to exhibit protein function similar to pathogenic control variants (PMID:30209399) (PS3 met). This BRCA1 intronic variant is located outside of the native donor and acceptor 1,2 splice sites, and has a SpliceAI score of 0.84, predicting an impact on splicing (score threshold >0.20) (PP3 not applied because a PVS1 (RNA) code is met). This variant is reported to result in aberrant mRNA splicing. Capture RNA-seq, RT-PCT and cloneSeq demonstrated that the variant impacts splicing by skipping of exon 17(18). The impact appears to be complete (PMID: 32133419). RT-PCRseq confirms the exon skipping and the percent of aberrant transcripts produced was >45%, using a non-allele specific quantitative assessment with sequence analysis. (Ambry internal data). The VCEP estimate less than 5% full-length transcript is produced by the variant allele. Appropriate code strength determined by comparison of results to PVS1 decision tree, PVS1 (RNA). Multifactorial likelihood ratio analysis using clinically calibrated data produced a combined LR for this variant of 7.98 (based on Co-occurrence LR=1.22; Family History LR=6.56), within the thresholds for moderate evidence towards pathogenicity (LR >4.3 & ≤18.7) (PP4_Moderate met; Internal lab contributor). In summary, this variant meets the criteria to be classified as a Pathogenic variant for BRCA1-related cancer predisposition based on the ACMG/AMP criteria applied as specified by the ENIGMA BRCA1/2 VCEP (PM2_Supporting, PS3, PP4_Moderate, PVS1 (RNA)).

Women's Health and Genetics/Laboratory Corporation of America, LabCorp
Classification: Pathogenic for Hereditary breast ovarian cancer syndrome. Last evaluated: 2024-12-15. Review status: criteria provided, single submitter. Criteria: LabCorp Variant Classification Summary - May 2015. Collection method: clinical testing. Allele origin: germline. Not counted in ClinVar's aggregate classification.
Comment: Variant summary: BRCA1 c.5152+6T>G alters a nucleotide located close to a canonical splice site and therefore could affect mRNA splicing, leading to a significantly altered protein sequence. Several computational tools predict a significant impact on normal splicing: Three predict the variant abolishes the canonical 5' splicing donor site. Two predict the variant weakens the canonical 5' splicing donor site. At least one publication reports experimental evidence that this variant affects mRNA splicing demonstrating skipping of exon 17 (r.5075_5152del) that is predicted to result in the deletion of amino acids at positions 1692 through 1718 and the insertion of a glycine residue (p.D1692_W1718delinsG) (Landrith_2020). Numerous other pathogenic variants have been identified in exon 17 supporting a critical relevance of this domain to BRCA1 protein function. The variant was absent in 251212 control chromosomes. c.5152+6T>G has been reported in the literature in at-least one individual of Ashkenazi Jewish descent diagnosed with Breast Cancer at the age of 49 years (example, Landrith_2020 and inconclusive case counts in Judkins_2005, Shattuck-Eidens_1997). At least one publication reports experimental evidence evaluating an impact on protein function. The most pronounced variant effect results in loss of homology directed repair (HDR) activity supporting a non-functional protein product (Findlay_2018). HDR assays qualify as a recognized gold standard on the basis of updated guidance provided by the ClinGen Sequence Variant Interpretation (SVI) working group. The following publications have been ascertained in the context of this evaluation (PMID: 16267036, 21523855, 9333265, 32133419, 30209399). ClinVar contains an entry for this variant (Variation ID: 125778). Based on the evidence outlined above, the variant was classified as pathogenic.

Labcorp Genetics (formerly Invitae), Labcorp
Classification: Likely pathogenic for Hereditary breast ovarian cancer syndrome. Last evaluated: 2024-10-14. Review status: criteria provided, single submitter. Criteria: Invitae Variant Classification Sherloc (09022015). Collection method: clinical testing. Allele origin: germline. Not counted in ClinVar's aggregate classification.
Comment: This sequence change falls in intron 17 of the BRCA1 gene. It does not directly change the encoded amino acid sequence of the BRCA1 protein. RNA analysis indicates that this variant induces altered splicing and may result in an absent or altered protein product. This variant is not present in population databases (gnomAD no frequency). This variant has been observed in individual(s) with clinical features of hereditary breast and ovarian cancer (PMID: 9333265, 36008414). This variant is also known as IVS18+6T>G. ClinVar contains an entry for this variant (Variation ID: 125778). Variants that disrupt the consensus splice site are a relatively common cause of aberrant splicing (PMID: 17576681, 9536098). Studies have shown that this variant results in skipping of exon 17, and produces a non-functional protein and/or introduces a premature termination codon (PMID: 32133419). This variant disrupts the c.5152+6T nucleotide in the BRCA1 gene. Other variant(s) that disrupt this nucleotide have been determined to be pathogenic (PMID: 32123317, 32761968; external communication, internal data). This suggests that this nucleotide is clinically significant, and that variants that disrupt this position are likely to be disease-causing. In summary, the currently available evidence indicates that the variant is pathogenic, but additional data are needed to prove that conclusively. Therefore, this variant has been classified as Likely Pathogenic.

Ambry Genetics
Classification: Pathogenic for Hereditary cancer-predisposing syndrome. Last evaluated: 2024-05-29. Review status: criteria provided, single submitter. Criteria: Ambry Variant Classification Scheme 2023. Collection method: clinical testing. Allele origin: germline. Not counted in ClinVar's aggregate classification.
Comment: The c.5152+6T>G intronic pathogenic mutation results from a T to G substitution 6 nucleotides after coding exon 16 in the BRCA1 gene. This nucleotide position is highly conserved in available vertebrate species. In silico splice site analysis predicts that this alteration will weaken the native splice donor site and RNA studies have demonstrated this alteration results in abnormal splicing in the set of samples tested (Ambry internal data). One functional study found that this nucleotide substitution is deleterious in a high throughput genome editing haploid cell survival assay (Findlay GM et al. Nature, 2018 10;562:217-222). Based on the majority of available evidence, this alteration is interpreted as a disease-causing mutation.

Revvity Omics, Revvity
Classification: Likely pathogenic. Last evaluated: 2023-12-13. Review status: criteria provided, single submitter. Criteria: ACMG Guidelines, 2015. Collection method: clinical testing. Allele origin: germline. Not counted in ClinVar's aggregate classification.

Quest Diagnostics Nichols Institute San Juan Capistrano
Classification: Likely pathogenic. Last evaluated: 2023-11-07. Review status: criteria provided, single submitter. Criteria: Quest Diagnostics criteria. Collection method: clinical testing. Allele origin: unknown. Not counted in ClinVar's aggregate classification.
Comment: The BRCA1 c.5152+6T>G variant has been reported in the published literature in individuals and families with a history of breast and/or ovarian cancer (PMID: 9333265 (1997)). Experimental evidence suggests this variant is damaging to BRCA1 function (PMIDs: 32133419 (2020), 30209399 (2018)). This variant has not been reported in large, multi-ethnic general populations (Genome Aggregation Database). Analysis of this variant using software algorithms for the prediction of the effect of nucleotide changes on splicing yielded predictions that this variant may affect proper BRCA1 mRNA splicing. Based on the available information, this variant is classified as likely pathogenic.

Breast Cancer Information Core (BIC) (BRCA1)
Classification: Uncertain significance for Breast-ovarian cancer, familial 1. Last evaluated: 2004-02-20. Review status: no assertion criteria provided. Collection method: clinical testing. Allele origin: germline. Affected: yes. Observed: 4 variant alleles. Not counted in ClinVar's aggregate classification.

Brotman Baty Institute, University of Washington
No classification provided (evidence only). Condition: Breast-ovarian cancer, familial 1. Review status: no classification provided. Collection method: in vitro. Allele origin: not applicable. Functional consequence: functionally_abnormal. Not counted in ClinVar's aggregate classification.
ClinVar note: "not provided" was previously submitted as the classification for the variant. However, the classification appeared to be based only on an observation of functional data so it was converted to no classification on 2025-07-30.

Literature cited by the submitters: PubMed 16267036 (cited by Women's Health and Genetics/Laboratory Corporation of America, LabCorp); PubMed 9333265 (cited by 3 submitters); PubMed 21523855 (cited by Women's Health and Genetics/Laboratory Corporation of America, LabCorp); PubMed 30209399 (cited by 3 submitters); PubMed 32133419 (cited by 3 submitters); PubMed 36008414 (cited by Labcorp Genetics (formerly Invitae), Labcorp); PubMed 17576681 (cited by Labcorp Genetics (formerly Invitae), Labcorp); PubMed 9536098 (cited by Labcorp Genetics (formerly Invitae), Labcorp); PubMed 32123317 (cited by Labcorp Genetics (formerly Invitae), Labcorp); PubMed 32761968 (cited by Labcorp Genetics (formerly Invitae), Labcorp).